The following is an entry in ClinVar:

NM_033286.4(KNSTRN):c.140C>A (p.Thr47Lys)

Gene: KNSTRN (kinetochore localized astrin (SPAG5) binding protein; plus strand). Cytogenetic location: 15q15.1.
Variant type: single nucleotide variant.
Coding change: c.140C>A on transcript NM_033286.4 (MANE Select); coding-DNA position 140, C replaced by A.
Protein change: p.Thr47Lys; replaces threonine 47 with lysine.
Molecular consequence: missense variant.
Genome position (GRCh38, 1-based): chr15:40,382,975, C>A. VCF-style: chr15-40382975-C-A. GRCh37 (hg19) VCF-style: chr15-40675176-C-A.
Other names: c.140C>A, p.Thr47Lys (NM_001142761.1, NM_001142762.1); short protein forms T47K.
Identifiers: ClinVar variation 4083551 (VCV004083551.8).

ClinVar aggregate classification (germline): Likely benign (1 of 4 stars; one submission).

gnomAD v4.1: 2,802 of 1,612,210 alleles (0.17%); highest among the groups gnomAD compares: Non-Finnish European, 0.22%; 9 homozygotes.

Submission:

CeGaT Center for Human Genetics Tuebingen
Classification: Likely benign. Last evaluated: 2025-06-01. Review status: criteria provided, single submitter. Criteria: CeGaT Center For Human Genetics Tuebingen Variant Classification Criteria Version 2. Collection method: clinical testing. Allele origin: germline. Affected: yes. Observed: 1 variant allele.
Comment: KNSTRN: BP4